The following is an entry in ClinVar:

NM_015559.3(SETBP1):c.2786C>G (p.Ala929Gly)

Gene: SETBP1 (SET binding protein 1; plus strand). Cytogenetic location: 18q12.3.
Variant type: single nucleotide variant.
Coding change: c.2786C>G on transcript NM_015559.3 (MANE Select); coding-DNA position 2786, C replaced by G.
Protein change: p.Ala929Gly; replaces alanine 929 with glycine.
Molecular consequence: missense variant.
Genome position (GRCh38, 1-based): chr18:44,952,126, C>G. VCF-style: chr18-44952126-C-G. GRCh37 (hg19) VCF-style: chr18-42532091-C-G.
Other names: c.2786C>G, p.Ala929Gly (NM_001379141.1, NM_001379142.1); short protein forms A929G.
Identifiers: ClinVar variation 1494258 (VCV001494258.8), dbSNP rs2145107427, ClinGen allele CA402322208.
Genomic context (GRCh38, chr18:44,952,126, plus strand): 5'-CCAGCACAAAGAACCGGCATGGCCACCGGCAAAAGCATCTCATTGTGGACAACTTTCTGG[C>G]CCACGAAAGCCTCAAGAAGCCAAAGCACAAGAGGAAACGGAAAAGCCTGCAAAACCGCGA-3'
Protein context (NP_056374.2, residues 919-939): QKHLIVDNFL[Ala929Gly]HESLKKPKHK

ClinVar aggregate classification (germline): Uncertain significance (1 of 4 stars; one submission).

Submission:

Labcorp Genetics (formerly Invitae), Labcorp
Classification: Uncertain significance. Last evaluated: 2022-08-24. Review status: criteria provided, single submitter. Criteria: Invitae Variant Classification Sherloc (09022015). Collection method: clinical testing. Allele origin: germline.
Comment: In summary, the available evidence is currently insufficient to determine the role of this variant in disease. Therefore, it has been classified as a Variant of Uncertain Significance. Algorithms developed to predict the effect of missense changes on protein structure and function (SIFT, PolyPhen-2, Align-GVGD) all suggest that this variant is likely to be tolerated. ClinVar contains an entry for this variant (Variation ID: 1494258). This variant has not been reported in the literature in individuals affected with SETBP1-related conditions. This variant is not present in population databases (gnomAD no frequency). This sequence change replaces alanine, which is neutral and non-polar, with glycine, which is neutral and non-polar, at codon 929 of the SETBP1 protein (p.Ala929Gly).